The following is an entry in ClinVar:

NM_001122681.2(SH3BP2):c.1330T>A (p.Ser444Thr)

Gene: SH3BP2 (SH3 domain binding protein 2; plus strand). Cytogenetic location: 4p16.3.
Variant type: single nucleotide variant.
Coding change: c.1330T>A on transcript NM_001122681.2 (MANE Select); coding-DNA position 1330, T replaced by A.
Protein change: p.Ser444Thr; replaces serine 444 with threonine.
Molecular consequence: missense variant.
Genome position (GRCh38, 1-based): chr4:2,831,659, T>A. VCF-style: chr4-2831659-T-A. GRCh37 (hg19) VCF-style: chr4-2833386-T-A.
Other names: c.1414T>A, p.Ser472Thr (NM_001145855.2); c.1501T>A, p.Ser501Thr (NM_001145856.2); c.1330T>A, p.Ser444Thr (NM_003023.4); short protein forms S501T, S444T, S472T.
Identifiers: ClinVar variation 1044781 (VCV001044781.9), dbSNP rs1724992271, ClinGen allele CA356057915.

ClinVar aggregate classification (germline): Uncertain significance. Review status: criteria provided, multiple submitters, no conflicts (2 of 4 stars). 2 submissions from 2 submitters: Uncertain significance (2). Last evaluated 2023-08-04.

Conditions:
Inborn genetic diseases. Identifiers: MedGen C0950123, MeSH D030342.
Fibrous dysplasia of jaw (CRBM). Also called: Cherubism. Identifiers: Orphanet 184, MedGen C0008029, MONDO:0007315, OMIM 118400.

Allele frequency attached by ClinVar (database versions not stated): gnomAD exomes below 0.00001.
gnomAD v4.1: 6 of 1,590,068 alleles (0.00038%); highest among the groups gnomAD compares: Non-Finnish European, 0.000086%; no homozygotes.

Submissions (2):

Labcorp Genetics (formerly Invitae), Labcorp
Classification: Uncertain significance for Fibrous dysplasia of jaw. Last evaluated: 2023-08-04. Review status: criteria provided, single submitter. Criteria: Invitae Variant Classification Sherloc (09022015). Collection method: clinical testing. Allele origin: germline.
Comment: ClinVar contains an entry for this variant (Variation ID: 1044781). Advanced modeling of protein sequence and biophysical properties (such as structural, functional, and spatial information, amino acid conservation, physicochemical variation, residue mobility, and thermodynamic stability) performed at Invitae indicates that this missense variant is not expected to disrupt SH3BP2 protein function. In summary, the available evidence is currently insufficient to determine the role of this variant in disease. Therefore, it has been classified as a Variant of Uncertain Significance. This variant has not been reported in the literature in individuals affected with SH3BP2-related conditions. This sequence change replaces serine, which is neutral and polar, with threonine, which is neutral and polar, at codon 444 of the SH3BP2 protein (p.Ser444Thr). This variant is not present in population databases (gnomAD no frequency).

Ambry Genetics
Classification: Uncertain significance for Inborn genetic diseases. Last evaluated: 2022-11-18. Review status: criteria provided, single submitter. Criteria: Ambry Variant Classification Scheme 2023. Collection method: clinical testing. Allele origin: germline.